The following is an entry in ClinVar:

ClinVar aggregate classification (germline): Benign (1 of 4 stars; one submission).

Allele frequency attached by ClinVar (database versions not stated): gnomAD exomes below 0.00001.
gnomAD v4.1: 5 of 1,583,000 alleles (0.00032%); highest among the groups gnomAD compares: Non-Finnish European, 0.00043%; no homozygotes.

Submission:

GeneDx
Classification: Benign. Last evaluated: 2013-11-27. Review status: criteria provided, single submitter. Criteria: GeneDx Variant Classification (06012015). Collection method: clinical testing. Allele origin: germline. Affected: yes.
Comment: This variant is considered likely benign or benign based on one or more of the following criteria: it is a conservative change, it occurs at a poorly conserved position in the protein, it is predicted to be benign by multiple in silico algorithms, and/or has population frequency not consistent with disease.

NM_000432.4(MYL2):c.274+15G>C

Gene: MYL2 (myosin light chain 2; minus strand). Cytogenetic location: 12q24.11.
Variant type: single nucleotide variant.
Coding change: c.274+15G>C on transcript NM_000432.4 (MANE Select); 15 bases into the intron after coding-DNA position 274, G replaced by C.
Molecular consequence: intron variant.
Genome position (GRCh38, 1-based): chr12:110,914,171, C>G on the plus strand (G>C on the coding strand, the complement: MYL2 is on the minus strand). VCF-style: chr12-110914171-C-G. GRCh37 (hg19) VCF-style: chr12-111351975-C-G.
Identifiers: ClinVar variation 138397 (VCV000138397.1), dbSNP rs587781090, ClinGen allele CA009972.
Genomic context (GRCh38, chr12:110,914,171, plus strand): 5'-AACCATCTTCTGCCAGCCCCCCCGAAGAAACATAGACACATACACACAGACACACACACA[C>G]ACACACGACCTTACCCTTAAGTTTCTCCCCAAACATTGTGAGGAACACAGTAAAGTTAAT-3'